The following is an entry in ClinVar:

ClinVar aggregate classification (germline): Conflicting classifications of pathogenicity. Review status: criteria provided, conflicting classifications (1 of 4 stars). 3 submissions from 3 submitters: Uncertain significance (2); Likely benign (1). Last evaluated 2025-02-10.

Conditions:
Arrhythmogenic right ventricular dysplasia 8 (ARVD8). Also called: Arrhythmogenic Right Ventricular Dysplasia/Cardiomyopathy 8; ARRHYTHMOGENIC RIGHT VENTRICULAR DYSPLASIA, FAMILIAL, 8; ARRHYTHMOGENIC RIGHT VENTRICULAR CARDIOMYOPATHY 8. Identifiers: MedGen C1843896, MONDO:0011831, OMIM 607450.
Arrhythmogenic cardiomyopathy with wooly hair and keratoderma. Also called: PALMOPLANTAR KERATODERMA WITH LEFT VENTRICULAR CARDIOMYOPATHY AND WOOLLY HAIR; Carvajal syndrome; Dilated cardiomyopathy with woolly hair and keratoderma; Arrhythmogenic cardiomyopathy with woolly hair and keratoderma. Identifiers: Orphanet 65282, MedGen C1854063, MONDO:0011581, OMIM 605676.
Cardiomyopathy (CMYO). Also called: Cardiomyopathies. Identifiers: Orphanet 167848, MedGen C0878544, MONDO:0004994, HP:0001638. Inheritance: Various modes of inheritance.
Cardiovascular phenotype. Identifiers: MedGen CN230736.

Allele frequency attached by ClinVar (database versions not stated): gnomAD exomes below 0.00001; ExAC 0.00001; gnomAD 0.00001; TOPMed 0.00001.
gnomAD v4.1: 3 of 1,613,976 alleles (0.00019%); highest among the groups gnomAD compares: African/African-American, 0.004%; no homozygotes.

Submissions (3):

Labcorp Genetics (formerly Invitae), Labcorp
Classification: Likely benign for Arrhythmogenic cardiomyopathy with wooly hair and keratoderma; Arrhythmogenic right ventricular dysplasia 8. Last evaluated: 2025-02-10. Review status: criteria provided, single submitter. Criteria: Invitae Variant Classification Sherloc (09022015). Collection method: clinical testing. Allele origin: germline.

Color Diagnostics, LLC DBA Color Health
Classification: Uncertain significance for Cardiomyopathy. Last evaluated: 2024-03-07. Review status: criteria provided, single submitter. Criteria: ACMG Guidelines, 2015. Collection method: clinical testing. Allele origin: germline.
Comment: This missense variant replaces glutamic acid with glutamine at codon 1886 of the DSP protein. Computational prediction suggests that this variant may not impact protein structure and function (internally defined REVEL score threshold <= 0.5, PMID: 27666373). Splice site prediction tools suggest that this variant may not impact RNA splicing. To our knowledge, functional studies have not been performed for this variant. This variant has not been reported in individuals affected with cardiovascular disorders in the literature. This variant has been identified in 1/251220 chromosomes in the general population by the Genome Aggregation Database (gnomAD). The available evidence is insufficient to determine the role of this variant in disease conclusively. Therefore, this variant is classified as a Variant of Uncertain Significance.

Ambry Genetics
Classification: Uncertain significance for Cardiovascular phenotype. Last evaluated: 2023-04-14. Review status: criteria provided, single submitter. Criteria: Ambry Variant Classification Scheme 2023. Collection method: clinical testing. Allele origin: germline.
Comment: The p.E1886Q variant (also known as c.5656G>C), located in coding exon 24 of the DSP gene, results from a G to C substitution at nucleotide position 5656. The glutamic acid at codon 1886 is replaced by glutamine, an amino acid with highly similar properties. This amino acid position is conserved. In addition, this alteration is predicted to be tolerated by in silico analysis. Since supporting evidence is limited at this time, the clinical significance of this alteration remains unclear.

NM_004415.4(DSP):c.5656G>C (p.Glu1886Gln)

Gene: DSP (desmoplakin; plus strand). Cytogenetic location: 6p24.3.
Variant type: single nucleotide variant.
Coding change: c.5656G>C on transcript NM_004415.4 (MANE Select); coding-DNA position 5656, G replaced by C.
Protein change: p.Glu1886Gln; replaces glutamic acid 1886 with glutamine.
Molecular consequence: missense variant.
Genome position (GRCh38, 1-based): chr6:7,582,918, G>C. VCF-style: chr6-7582918-G-C. GRCh37 (hg19) VCF-style: chr6-7583151-G-C.
Other names: c.3859G>C, p.Glu1287Gln (NM_001008844.3); c.4327G>C, p.Glu1443Gln (NM_001319034.2); short protein forms E1287Q, E1443Q, E1886Q.
Identifiers: ClinVar variation 921403 (VCV000921403.11), dbSNP rs776728790, ClinGen allele CA045444.